The following is an entry in ClinVar:

NM_001394998.1(TANC2):c.3598A>G (p.Ile1200Val)

Genes: TANC2 (tetratricopeptide repeat, ankyrin repeat and coiled-coil containing 2; plus strand), LOC105371856 (uncharacterized LOC105371856; minus strand). Cytogenetic location: 17q23.3.
Variant type: single nucleotide variant.
Coding change: c.3598A>G on transcript NM_001394998.1 (MANE Select); coding-DNA position 3598, A replaced by G.
Protein change: p.Ile1200Val; replaces isoleucine 1200 with valine.
Molecular consequence: missense variant.
Genome position (GRCh38, 1-based): chr17:63,411,519, A>G. VCF-style: chr17-63411519-A-G. GRCh37 (hg19) VCF-style: chr17-61488880-A-G.
Other names: c.3376A>G, p.Ile1126Val (NM_001411076.1, NM_025185.4); short protein forms I1126V, I1200V.
Identifiers: ClinVar variation 4088240 (VCV004088240.1).

ClinVar aggregate classification (germline): Uncertain significance (1 of 4 stars; one submission).

gnomAD v4.1: 2 of 1,610,084 alleles (0.00012%); highest among the groups gnomAD compares: Non-Finnish European, 0.00017%; no homozygotes.

Submission:

GeneDx
Classification: Uncertain significance. Last evaluated: 2025-03-27. Review status: criteria provided, single submitter. Criteria: GeneDx Variant Classification Process June 2021. Collection method: clinical testing. Allele origin: germline. Affected: yes.
Comment: Not observed at significant frequency in large population cohorts (gnomAD); In silico analysis indicates that this missense variant does not alter protein structure/function; Has not been previously published as pathogenic or benign to our knowledge